The following is an entry in ClinVar:

NM_005639.3(SYT1):c.405A>C (p.Glu135Asp)

Gene: SYT1 (synaptotagmin 1; plus strand). Cytogenetic location: 12q21.2.
Variant type: single nucleotide variant.
Coding change: c.405A>C on transcript NM_005639.3 (MANE Select); coding-DNA position 405, A replaced by C.
Protein change: p.Glu135Asp; replaces glutamic acid 135 with aspartic acid.
Molecular consequence: missense variant.
Genome position (GRCh38, 1-based): chr12:79,292,061, A>C. VCF-style: chr12-79292061-A-C. GRCh37 (hg19) VCF-style: chr12-79685841-A-C.
Other names: c.405A>C, p.Glu135Asp (NM_001135805.2, NM_001135806.2); c.396A>C, p.Glu132Asp (NM_001291901.2); short protein forms E132D, E135D.
Identifiers: ClinVar variation 1712611 (VCV001712611.4), dbSNP rs1879614972, ClinGen allele CA385929374.

ClinVar aggregate classification (germline): Uncertain significance. Review status: criteria provided, multiple submitters, no conflicts (2 of 4 stars). 2 submissions from 2 submitters: Uncertain significance (2). Last evaluated 2025-08-12.

Conditions:
Infantile hypotonia-oculomotor anomalies-hyperkinetic movements-developmental delay syndrome. Also called: BAKER-GORDON SYNDROME; NEURODEVELOPMENTAL DISORDER WITH INVOLUNTARY MOVEMENT AND ABNORMAL ELECTROENCEPHALOGRAM. Identifiers: Orphanet 522077, MedGen C4748715, MONDO:0033864, OMIM 618218.

Allele frequency attached by ClinVar (database versions not stated): TOPMed 0.00001.

Submissions (2):

Dasa
Classification: Uncertain significance for Infantile hypotonia-oculomotor anomalies-hyperkinetic movements-developmental delay syndrome. Last evaluated: 2025-08-12. Review status: criteria provided, single submitter. Criteria: DASA Assertion Criteria. Collection method: clinical testing. Allele origin: germline.
Comment: NM_005639.3(SYT1):c.405A>C (p.Glu135Asp) is a missense variant that results in the substitution of glutamic acid with aspartic acid. This variant is rare in population databases. Computational prediction algorithms are consistent with a benign effect. The currently available literature and clinical evidence are not sufficient to establish a definitive association between this variant and the reported condition. Therefore, this variant is classified as a variant of uncertain significance.

GeneDx
Classification: Uncertain significance. Last evaluated: 2022-04-29. Review status: criteria provided, single submitter. Criteria: GeneDx Variant Classification Process June 2021. Collection method: clinical testing. Allele origin: germline. Affected: yes.
Comment: Not observed at significant frequency in large population cohorts (gnomAD); In silico analysis supports that this missense variant does not alter protein structure/function; Has not been previously published as pathogenic or benign to our knowledge